The following is an entry in ClinVar:

NM_005391.5(PDK3):c.895C>T (p.Arg299Cys)

Gene: PDK3 (pyruvate dehydrogenase kinase 3; plus strand). Cytogenetic location: Xp22.11.
Variant type: single nucleotide variant.
Coding change: c.895C>T on transcript NM_005391.5 (MANE Select); coding-DNA position 895, C replaced by T.
Protein change: p.Arg299Cys; replaces arginine 299 with cysteine.
Molecular consequence: missense variant.
Genome position (GRCh38, 1-based): chrX:24,528,118, C>T. VCF-style: chrX-24528118-C-T. GRCh37 (hg19) VCF-style: chrX-24546235-C-T.
Other names: c.895C>T, p.Arg299Cys (NM_001142386.3); short protein forms R299C.
Identifiers: ClinVar variation 2981192 (VCV002981192.3), dbSNP rs1192081613, ClinGen allele CA412602924.

ClinVar aggregate classification (germline): Uncertain significance (1 of 4 stars; one submission).

Conditions:
Charcot-Marie-Tooth disease X-linked dominant 6. Also called: CHARCOT-MARIE-TOOTH NEUROPATHY, X-LINKED DOMINANT, 6. Identifiers: Orphanet 352675, MedGen C3806702, MONDO:0010479, OMIM 300905.

Allele frequency attached by ClinVar (database versions not stated): gnomAD exomes below 0.00001.
gnomAD v4.1: 1 of 1,201,690 alleles (0.000083%); no homozygotes.

Submission:

Labcorp Genetics (formerly Invitae), Labcorp
Classification: Uncertain significance for Charcot-Marie-Tooth disease X-linked dominant 6. Last evaluated: 2023-03-10. Review status: criteria provided, single submitter. Criteria: Invitae Variant Classification Sherloc (09022015). Collection method: clinical testing. Allele origin: germline.
Comment: This sequence change replaces arginine, which is basic and polar, with cysteine, which is neutral and slightly polar, at codon 299 of the PDK3 protein (p.Arg299Cys). This variant is present in population databases (no rsID available, gnomAD 0.006%), including at least one homozygous and/or hemizygous individual. This variant has not been reported in the literature in individuals affected with PDK3-related conditions. Advanced modeling of protein sequence and biophysical properties (such as structural, functional, and spatial information, amino acid conservation, physicochemical variation, residue mobility, and thermodynamic stability) performed at Invitae indicates that this missense variant is not expected to disrupt PDK3 protein function. Algorithms developed to predict the effect of sequence changes on RNA splicing suggest that this variant may disrupt the consensus splice site. In summary, the available evidence is currently insufficient to determine the role of this variant in disease. Therefore, it has been classified as a Variant of Uncertain Significance.